The following is an entry in ClinVar:

ClinVar aggregate classification (germline): Uncertain significance (1 of 4 stars; one submission).

Allele frequency attached by ClinVar (database versions not stated): gnomAD exomes below 0.00001 and 0.00003; gnomAD 0.00001; TOPMed 0.00002; ExAC 0.00003.
gnomAD v4.1: 6 of 1,367,458 alleles (0.00044%); highest among the groups gnomAD compares: East Asian, 0.027%; no homozygotes.

Submission:

Labcorp Genetics (formerly Invitae), Labcorp
Classification: Uncertain significance. Last evaluated: 2025-03-18. Review status: criteria provided, single submitter. Criteria: Invitae Variant Classification Sherloc (09022015). Collection method: clinical testing. Allele origin: germline.
Comment: This sequence change replaces glycine, which is neutral and non-polar, with glutamic acid, which is acidic and polar, at codon 1381 of the ERCC6L2 protein (p.Gly1381Glu). This variant is present in population databases (rs767284690, gnomAD 0.04%). This variant has not been reported in the literature in individuals affected with ERCC6L2-related conditions. ClinVar contains an entry for this variant (Variation ID: 1519227). Experimental studies and prediction algorithms are not available or were not evaluated, and the functional significance of this variant is currently unknown. In summary, the available evidence is currently insufficient to determine the role of this variant in disease. Therefore, it has been classified as a Variant of Uncertain Significance.

NM_020207.7(ERCC6L2):c.4109G>A (p.Gly1370Glu)

Gene: ERCC6L2 (ERCC excision repair 6 like 2; plus strand). Cytogenetic location: 9q22.32.
Variant type: single nucleotide variant.
Coding change: c.4109G>A on transcript NM_020207.7 (MANE Select); coding-DNA position 4109, G replaced by A.
Protein change: p.Gly1370Glu; replaces glycine 1370 with glutamic acid.
Molecular consequence: missense variant. On other transcripts: non-coding transcript variant (1), intron variant (2).
Genome position (GRCh38, 1-based): chr9:96,012,659, G>A. VCF-style: chr9-96012659-G-A. GRCh37 (hg19) VCF-style: chr9-98774941-G-A.
Other names: c.3674+7958G>A (NM_001375291.1, NM_001375292.1); short protein forms G1370E.
Identifiers: ClinVar variation 1519227 (VCV001519227.6), dbSNP rs767284690, ClinGen allele CA5140056.